The following is an entry in ClinVar:

ClinVar aggregate classification (germline): Benign. Review status: criteria provided, multiple submitters, no conflicts (2 of 4 stars). 5 submissions from 5 submitters: Benign (4). 1 of the submissions does not count toward it. Last evaluated 2026-01-24.

Conditions:
Inborn genetic diseases. Identifiers: MedGen C0950123, MeSH D030342.
Nance-Horan syndrome (NHS). Identifiers: Orphanet 627, MedGen C0796085, MONDO:0010545, OMIM 302350.

Allele frequency attached by ClinVar (database versions not stated): gnomAD exomes 0.00307 and 0.00860; ExAC 0.01060; gnomAD 0.02754 and 0.02903; TOPMed 0.03202; 1000 Genomes Project 0.03629; ESP Exome Variant Server 0.03143; 1000 Genomes Project 30x 0.03809.
gnomAD v4.1: 6,670 of 1,210,146 alleles (0.55%); highest among the groups gnomAD compares: African/African-American, 9.2%; 198 homozygotes.

Submissions (5):

Labcorp Genetics (formerly Invitae), Labcorp
Classification: Benign for Nance-Horan syndrome. Last evaluated: 2026-01-24. Review status: criteria provided, single submitter. Criteria: Invitae Variant Classification Sherloc (09022015). Collection method: clinical testing. Allele origin: germline.

GeneDx
Classification: Benign. Last evaluated: 2019-06-06. Review status: criteria provided, single submitter. Criteria: GeneDx Variant Classification Process June 2021. Collection method: clinical testing. Allele origin: germline. Affected: yes.

Ambry Genetics
Classification: Benign for Inborn genetic diseases. Last evaluated: 2014-11-24. Review status: criteria provided, single submitter. Criteria: Ambry Variant Classification Scheme 2023. Collection method: clinical testing. Allele origin: germline.

Breakthrough Genomics
Classification: Benign. Review status: criteria provided, single submitter. Criteria: ACMG Guidelines, 2015. Collection method: not provided. Allele origin: germline. Inheritance: X-linked inheritance. Affected: yes.

Genetic Services Laboratory, University of Chicago
Classification: Likely benign for AllHighlyPenetrant. Review status: no assertion criteria provided. Collection method: clinical testing. Allele origin: germline. Inheritance: X-linked inheritance. Not counted in ClinVar's aggregate classification.
Comment: Likely benign based on allele frequency in 1000 Genomes Project or ESP global frequency and its presence in a patient with a rare or unrelated disease phenotype. NOT Sanger confirmed.

NM_001291867.2(NHS):c.3201T>C (p.Ser1067=)

Gene: NHS (NHS actin remodeling regulator; plus strand). Cytogenetic location: Xp22.13.
Variant type: single nucleotide variant.
Coding change: c.3201T>C on transcript NM_001291867.2 (MANE Select); coding-DNA position 3201, T replaced by C.
Protein change: p.Ser1067=; no amino-acid change (serine 1067 retained).
Molecular consequence: synonymous variant.
Genome position (GRCh38, 1-based): chrX:17,727,307, T>C. VCF-style: chrX-17727307-T-C. GRCh37 (hg19) VCF-style: chrX-17745427-T-C.
Other names: c.2670T>C, p.Ser890= (NM_001136024.4); c.2607T>C, p.Ser869= (NM_001291868.2); c.3138T>C, p.Ser1046= (NM_198270.4).
Identifiers: ClinVar variation 129774 (VCV000129774.22), dbSNP rs56908561, ClinGen allele CA154065.